The following is an entry in ClinVar:

NM_001042545.2(LTBP4):c.1825A>G (p.Thr609Ala)

Gene: LTBP4 (latent transforming growth factor beta binding protein 4; plus strand). Cytogenetic location: 19q13.2.
Variant type: single nucleotide variant.
Coding change: c.1825A>G on transcript NM_001042545.2 (MANE Select); coding-DNA position 1825, A replaced by G.
Protein change: p.Thr609Ala; replaces threonine 609 with alanine.
Molecular consequence: missense variant.
Genome position (GRCh38, 1-based): chr19:40,611,166, A>G. VCF-style: chr19-40611166-A-G. GRCh37 (hg19) VCF-style: chr19-41117072-A-G.
Other names: c.2026A>G, p.Thr676Ala (NM_001042544.1); c.1915A>G, p.Thr639Ala (NM_003573.2); short protein forms T639A, T676A, T609A.
Identifiers: ClinVar variation 329311 (VCV000329311.14), dbSNP rs201279198, ClinGen allele CA9448451.

ClinVar aggregate classification (germline): Uncertain significance. Review status: criteria provided, multiple submitters, no conflicts (2 of 4 stars). 3 submissions from 3 submitters: Uncertain significance (3). Last evaluated 2025-10-25.

Conditions:
Cutis laxa with severe pulmonary, gastrointestinal and urinary anomalies. Also called: URBAN-RIFKIN-DAVIS SYNDROME; Cutis laxa, autosomal recessive, type IC; LTBP4-Related Cutis Laxa. Identifiers: Orphanet 221145, MedGen C2750804, MONDO:0013170, OMIM 613177. Disease mechanism: loss of function.

Allele frequency attached by ClinVar (database versions not stated): ExAC 0.00026; gnomAD exomes 0.00027 and 0.00053; gnomAD 0.00038 and 0.00069; ESP Exome Variant Server 0.00057; TOPMed 0.00085.
gnomAD v4.1: 875 of 1,613,138 alleles (0.054%); highest among the groups gnomAD compares: Non-Finnish European, 0.064%; 3 homozygotes.

Submissions (3):

GeneDx
Classification: Uncertain significance. Last evaluated: 2025-10-25. Review status: criteria provided, single submitter. Criteria: GeneDx Variant Classification Process June 2021. Collection method: clinical testing. Allele origin: germline. Affected: yes.
Comment: In silico analysis suggests that this missense variant does not alter protein structure/function; Has not been previously published as pathogenic or benign to our knowledge

Labcorp Genetics (formerly Invitae), Labcorp
Classification: Uncertain significance. Last evaluated: 2024-01-11. Review status: criteria provided, single submitter. Criteria: Invitae Variant Classification Sherloc (09022015). Collection method: clinical testing. Allele origin: germline.
Comment: This sequence change replaces threonine, which is neutral and polar, with alanine, which is neutral and non-polar, at codon 639 of the LTBP4 protein (p.Thr639Ala). This variant is present in population databases (rs201279198, gnomAD 0.04%). This variant has not been reported in the literature in individuals affected with LTBP4-related conditions. ClinVar contains an entry for this variant (Variation ID: 329311). Experimental studies and prediction algorithms are not available or were not evaluated, and the functional significance of this variant is currently unknown. In summary, the available evidence is currently insufficient to determine the role of this variant in disease. Therefore, it has been classified as a Variant of Uncertain Significance.

Illumina Laboratory Services, Illumina
Classification: Uncertain significance for Cutis laxa with severe pulmonary, gastrointestinal and urinary anomalies. Last evaluated: 2018-01-12. Review status: criteria provided, single submitter. Criteria: ICSL Variant Classification Criteria 13 December 2019. Collection method: clinical testing. Allele origin: germline.